The following is an entry in ClinVar:

ClinVar aggregate classification (germline): Uncertain significance. Review status: criteria provided, multiple submitters, no conflicts (2 of 4 stars). 2 submissions from 2 submitters: Uncertain significance (2). Last evaluated 2025-08-08.

gnomAD v4.1: 22 of 1,614,192 alleles (0.0014%); highest among the groups gnomAD compares: Admixed American, 0.025%; no homozygotes.

Submissions (2):

Ambry Genetics
Classification: Uncertain significance. Last evaluated: 2025-08-08. Review status: criteria provided, single submitter. Criteria: Ambry Variant Classification Scheme 2023. Collection method: clinical testing. Allele origin: germline.

Labcorp Genetics (formerly Invitae), Labcorp
Classification: Uncertain significance. Last evaluated: 2025-01-21. Review status: criteria provided, single submitter. Criteria: Invitae Variant Classification Sherloc (09022015). Collection method: clinical testing. Allele origin: germline.
Comment: This sequence change replaces valine, which is neutral and non-polar, with alanine, which is neutral and non-polar, at codon 112 of the AGAP1 protein (p.Val112Ala). This variant is present in population databases (rs185568896, gnomAD 0.03%). This variant has not been reported in the literature in individuals affected with AGAP1-related conditions. An algorithm developed to predict the effect of missense changes on protein structure and function (PolyPhen-2) suggests that this variant is likely to be disruptive. In summary, the available evidence is currently insufficient to determine the role of this variant in disease. Therefore, it has been classified as a Variant of Uncertain Significance.

NM_001037131.3(AGAP1):c.335T>C (p.Val112Ala)

Gene: AGAP1 (ArfGAP with GTPase domain, ankyrin repeat and PH domain 1; plus strand). Cytogenetic location: 2q37.2.
Variant type: single nucleotide variant.
Coding change: c.335T>C on transcript NM_001037131.3 (MANE Select); coding-DNA position 335, T replaced by C.
Protein change: p.Val112Ala; replaces valine 112 with alanine.
Molecular consequence: missense variant.
Genome position (GRCh38, 1-based): chr2:235,740,987, T>C. VCF-style: chr2-235740987-T-C. GRCh37 (hg19) VCF-style: chr2-236649631-T-C.
Other names: c.335T>C, p.Val112Ala (NM_001244888.2, NM_014914.5); c.335T>C (NM_001037131.2); short protein forms V112A.
Identifiers: ClinVar variation 3631098 (VCV003631098.3).